The following is an entry in ClinVar:

NM_001385079.1(PDE10A):c.725G>T (p.Gly242Val)

Gene: PDE10A (phosphodiesterase 10A; minus strand). Cytogenetic location: 6q27.
Variant type: single nucleotide variant.
Coding change: c.725G>T on transcript NM_001385079.1 (MANE Select); coding-DNA position 725, G replaced by T.
Protein change: p.Gly242Val; replaces glycine 242 with valine.
Molecular consequence: missense variant. On other transcripts: 5 prime UTR variant (2).
Genome position (GRCh38, 1-based): chr6:165,662,087, C>A on the plus strand (G>T on the coding strand, the complement: PDE10A is on the minus strand). VCF-style: chr6-165662087-C-A. GRCh37 (hg19) VCF-style: chr6-166075575-C-A.
Other names: c.-74G>T (NM_001130690.3); c.-232G>T (NM_006661.4); short protein forms G242V.
Identifiers: ClinVar variation 4872634 (VCV004872634.2).

ClinVar aggregate classification (germline): Uncertain significance (1 of 4 stars; one submission).

gnomAD v4.1: 84 of 1,236,080 alleles (0.0068%); highest among the groups gnomAD compares: Non-Finnish European, 0.008%; no homozygotes.

Submission:

CeGaT Center for Human Genetics Tuebingen
Classification: Uncertain significance. Last evaluated: 2026-04-01. Review status: criteria provided, single submitter. Criteria: CeGaT Center For Human Genetics Tuebingen Variant Classification Criteria Version 2. Collection method: clinical testing. Allele origin: germline. Affected: yes. Observed: 1 variant allele.
Comment: PDE10A: PM2, PP2